The following is an entry in ClinVar:

NM_018489.3(ASH1L):c.1381A>G (p.Thr461Ala)

Gene: ASH1L (ASH1 like histone lysine methyltransferase; minus strand). Cytogenetic location: 1q22.
Variant type: single nucleotide variant.
Coding change: c.1381A>G on transcript NM_018489.3 (MANE Select); coding-DNA position 1381, A replaced by G.
Protein change: p.Thr461Ala; replaces threonine 461 with alanine.
Molecular consequence: missense variant.
Genome position (GRCh38, 1-based): chr1:155,481,489, T>C on the plus strand (A>G on the coding strand, the complement: ASH1L is on the minus strand). VCF-style: chr1-155481489-T-C. GRCh37 (hg19) VCF-style: chr1-155451280-T-C.
Other names: c.1381A>G, p.Thr461Ala (NM_001366177.2); short protein forms T461A.
Identifiers: ClinVar variation 1695677 (VCV001695677.4), dbSNP rs2148730615, ClinGen allele CA342735114.
Genomic context (GRCh38, chr1:155,481,489, plus strand): 5'-ACTTTTCCAATATGCTTTCTTTATTCTGCCGTACAACATTCTTTTCAAAAGTTTTGCTGG[T>C]GGCACTATCTTTCAGGGATTCAGAAAGTTCCTGACTTTCCTGATTATTGATGTTTGTACT-3'
Protein context (NP_060959.2, residues 451-471): ELSESLKDSA[Thr461Ala]SKTFEKNVVR

ClinVar aggregate classification (germline): Uncertain significance (1 of 4 stars; one submission).

Submission:

GeneDx
Classification: Uncertain significance. Last evaluated: 2025-12-10. Review status: criteria provided, single submitter. Criteria: GeneDx Variant Classification Process June 2021. Collection method: clinical testing. Allele origin: germline. Affected: yes.
Comment: Not observed at significant frequency in large population cohorts (gnomAD); In silico analysis suggests that this missense variant does not alter protein structure/function; Has not been previously published as pathogenic or benign to our knowledge